The following is an entry in ClinVar:

ClinVar aggregate classification (germline): Uncertain significance (1 of 4 stars; one submission).

Conditions:
SLC10A2-related disorder. Also called: SLC10A2-related condition.

Submission:

PreventionGenetics, part of Exact Sciences
Classification: Uncertain significance for SLC10A2-related condition. Last evaluated: 2022-09-06. Review status: criteria provided, single submitter. Criteria: ACMG Guidelines, 2015. Collection method: clinical testing. Allele origin: germline.
Comment: The SLC10A2 c.620T>G variant is predicted to result in the amino acid substitution p.Leu207Arg. To our knowledge, this variant has not been reported in the literature or in a large population database, indicating this variant is rare. At this time, the clinical significance of this variant is uncertain due to the absence of conclusive functional and genetic evidence.

NM_000452.3(SLC10A2):c.620T>G (p.Leu207Arg)

Gene: SLC10A2 (solute carrier family 10 member 2; minus strand). Cytogenetic location: 13q33.1.
Variant type: single nucleotide variant.
Coding change: c.620T>G on transcript NM_000452.3 (MANE Select); coding-DNA position 620, T replaced by G.
Protein change: p.Leu207Arg; replaces leucine 207 with arginine.
Molecular consequence: missense variant.
Genome position (GRCh38, 1-based): chr13:103,051,398, A>C on the plus strand (T>G on the coding strand, the complement: SLC10A2 is on the minus strand). VCF-style: chr13-103051398-A-C. GRCh37 (hg19) VCF-style: chr13-103703748-A-C.
Other names: short protein forms L207R.
Identifiers: ClinVar variation 2629093 (VCV002629093.1), dbSNP rs2501814126, ClinGen allele CA388606267.